The following is an entry in ClinVar:

ClinVar aggregate classification (germline): Uncertain significance (1 of 4 stars; one submission).

gnomAD v4.1: 3 of 1,613,358 alleles (0.00019%); highest among the groups gnomAD compares: Admixed American, 0.0017%; no homozygotes.

Submission:

GeneDx
Classification: Uncertain significance. Last evaluated: 2024-06-03. Review status: criteria provided, single submitter. Criteria: GeneDx Variant Classification Process June 2021. Collection method: clinical testing. Allele origin: germline. Affected: yes.
Comment: In silico analysis supports that this missense variant has a deleterious effect on protein structure/function; Has not been previously published as pathogenic or benign to our knowledge

NM_005618.4(DLL1):c.1793G>C (p.Arg598Pro)

Gene: DLL1 (delta like canonical Notch ligand 1; minus strand). Cytogenetic location: 6q27.
Variant type: single nucleotide variant.
Coding change: c.1793G>C on transcript NM_005618.4 (MANE Select); coding-DNA position 1793, G replaced by C.
Protein change: p.Arg598Pro; replaces arginine 598 with proline.
Molecular consequence: missense variant.
Genome position (GRCh38, 1-based): chr6:170,283,486, C>G on the plus strand (G>C on the coding strand, the complement: DLL1 is on the minus strand). VCF-style: chr6-170283486-C-G. GRCh37 (hg19) VCF-style: chr6-170592574-C-G.
Other names: short protein forms R598P.
Identifiers: ClinVar variation 3384465 (VCV003384465.1).
Genomic context (GRCh38, chr6:170,283,486, plus strand): 5'-TTCTTGTTGGTGTTCTTGATCTGCGTGGCCCCGATGATGCTGACTGAGATGTCCTTCTCA[C>G]GCTGGCAGTTGGCCAGGTTGTTCATGGTCTCCGTCTCCCCCCGGCAGGGGTCGGCTGGGG-3'
Protein context (NP_005609.3, residues 588-608): ETMNNLANCQ[Arg598Pro]EKDISVSIIG